The following is an entry in ClinVar:

NM_000186.4(CFH):c.1193A>G (p.Tyr398Cys)

Gene: CFH (complement factor H; plus strand). Cytogenetic location: 1q31.3.
Variant type: single nucleotide variant.
Coding change: c.1193A>G on transcript NM_000186.4 (MANE Select); coding-DNA position 1193, A replaced by G.
Protein change: p.Tyr398Cys; replaces tyrosine 398 with cysteine.
Molecular consequence: missense variant.
Genome position (GRCh38, 1-based): chr1:196,690,096, A>G. VCF-style: chr1-196690096-A-G. GRCh37 (hg19) VCF-style: chr1-196659226-A-G.
Other names: c.1193A>G, p.Tyr398Cys (NM_001014975.3); short protein forms Y398C.
Identifiers: ClinVar variation 4291374 (VCV004291374.2).

ClinVar aggregate classification (germline): Uncertain significance (1 of 4 stars; one submission).

Conditions:
Age related macular degeneration 4. Identifiers: MedGen C1853147, MONDO:0012540, OMIM 610698.

gnomAD v4.1: 4 of 1,611,230 alleles (0.00025%); highest among the groups gnomAD compares: East Asian, 0.0045%; no homozygotes.

Submission:

Genomenon, Inc
Classification: Uncertain significance for Age related macular degeneration 4. Last evaluated: 2026-09-17. Review status: criteria provided, single submitter. Criteria: Genomenon Sequence Variant Interpretation Standards - Updated. Collection method: curation. Allele origin: germline. Affected: yes.
Comment: CFH p.Tyr398Cys (c.1193A>G) is a missense variant that changes the amino acid at codon 398 from tyrosine to cysteine. This variant has been observed in at least one proband affected with age-related macular degeneration (PMID: 29888403). It is absent or not present at a significant frequency in gnomAD. In silico models predict that this variant is not damaging. In conclusion, we classify CFH p.Tyr398Cys (c.1193A>G) as a variant of uncertain significance.

Literature cited by the submitters: PubMed 29888403.